The following is an entry in ClinVar:

ClinVar aggregate classification (germline): Conflicting classifications of pathogenicity. Review status: criteria provided, conflicting classifications (1 of 4 stars). 7 submissions from 7 submitters: Uncertain significance (6); Benign (1). Last evaluated 2025-12-24.

Conditions:
Isolated focal cortical dysplasia type II (FCORD2). Also called: CORTICAL DYSPLASIA OF TAYLOR; Focal cortical dysplasia type II. Identifiers: Orphanet 268994, MedGen C1846385, MONDO:0011818, OMIM 607341, HP:0032051.
Hereditary cancer-predisposing syndrome. Also called: Hereditary neoplastic syndrome; Neoplastic Syndromes, Hereditary; Tumor predisposition; Hereditary Cancer Syndrome. Identifiers: Orphanet 140162, MedGen C0027672, MeSH D009386, MONDO:0015356.
Tuberous sclerosis syndrome (TSC). Also called: Tuberous Sclerosis Complex; Tuberous sclerosis. Identifiers: Orphanet 805, MedGen C0041341, MONDO:0001734.
Tuberous sclerosis 2 (TSC2). Identifiers: Orphanet 805, MedGen C1860707, MONDO:0013199, OMIM 613254.

Allele frequency attached by ClinVar (database versions not stated): TOPMed 0.00001.
gnomAD v4.1: 18 of 1,612,188 alleles (0.0011%); highest among the groups gnomAD compares: Non-Finnish European, 0.0015%; no homozygotes.

Submissions (7):

Labcorp Genetics (formerly Invitae), Labcorp
Classification: Benign for Tuberous sclerosis 2. Last evaluated: 2025-12-24. Review status: criteria provided, single submitter. Criteria: Invitae Variant Classification Sherloc (09022015). Collection method: clinical testing. Allele origin: germline.

Ambry Genetics
Classification: Uncertain significance for Hereditary cancer-predisposing syndrome. Last evaluated: 2024-04-19. Review status: criteria provided, single submitter. Criteria: Ambry Variant Classification Scheme 2023. Collection method: clinical testing. Allele origin: germline.
Comment: The p.D439E variant (also known as c.1317C>A), located in coding exon 12 of the TSC2 gene, results from a C to A substitution at nucleotide position 1317. The aspartic acid at codon 439 is replaced by glutamic acid, an amino acid with highly similar properties. This amino acid position is well conserved in available vertebrate species; however, glutamic acid is the reference amino acid in other vertebrate species. In addition, the in silico prediction for this alteration is inconclusive. Based on the available evidence, the clinical significance of this variant remains unclear.

Color Diagnostics, LLC DBA Color Health
Classification: Uncertain significance for Tuberous sclerosis syndrome. Last evaluated: 2024-03-06. Review status: criteria provided, single submitter. Criteria: ACMG Guidelines, 2015. Collection method: clinical testing. Allele origin: germline.
Comment: This missense variant replaces aspartic acid with glutamic acid at codon 439 of the TSC2 protein. Computational prediction suggests that this variant may not impact protein structure and function. To our knowledge, functional studies have not been reported for this variant. This variant has not been reported in individuals affected with TSC2-related disorders in the literature. This variant has not been identified in the general population by the Genome Aggregation Database (gnomAD). The available evidence is insufficient to determine the role of this variant in disease conclusively. Therefore, this variant is classified as a Variant of Uncertain Significance.

Baylor Genetics
Classification: Uncertain significance for Isolated focal cortical dysplasia type II. Last evaluated: 2023-07-27. Review status: criteria provided, single submitter. Criteria: ACMG Guidelines, 2015. Collection method: clinical testing. Allele origin: unknown.

All of Us Research Program, National Institutes of Health
Classification: Uncertain significance for Tuberous sclerosis syndrome. Last evaluated: 2023-06-26. Review status: criteria provided, single submitter. Criteria: ACMG Guidelines, 2015. Collection method: clinical testing. Allele origin: germline. Inheritance: Autosomal dominant inheritance. Observed: 2 variant alleles, 2 heterozygotes.
Comment: This missense variant replaces aspartic acid with glutamic acid at codon 439 of the TSC2 protein. Computational prediction suggests that this variant may not impact protein structure and function (internally defined REVEL score threshold <= 0.5, PMID: 27666373). To our knowledge, functional studies have not been reported for this variant. This variant has not been reported in individuals affected with TSC2-related disorders in the literature. This variant has not been identified in the general population by the Genome Aggregation Database (gnomAD). The available evidence is insufficient to determine the role of this variant in disease conclusively. Therefore, this variant is classified as a Variant of Uncertain Significance.

This study involves interpretation of variants in research participants for the purpose of population health screening. Participant phenotype was not available at the time of variant classification. Additional details can be found in publication PMID: 35346344, PMCID: PMC8962531

GeneDx
Classification: Uncertain significance. Last evaluated: 2023-06-20. Review status: criteria provided, single submitter. Criteria: GeneDx Variant Classification Process June 2021. Collection method: clinical testing. Allele origin: germline. Affected: yes.
Comment: Not observed in large population cohorts (gnomAD); In silico analysis supports that this missense variant does not alter protein structure/function; Has not been previously published as pathogenic or benign to our knowledge

Genome-Nilou Lab
Classification: Uncertain significance for Tuberous sclerosis 2. Last evaluated: 2021-11-07. Review status: criteria provided, single submitter. Criteria: ACMG Guidelines, 2015. Collection method: clinical testing. Allele origin: germline. Affected: no.

NM_000548.5(TSC2):c.1317C>A (p.Asp439Glu)

Gene: TSC2 (TSC complex subunit 2; plus strand). Cytogenetic location: 16p13.3.
Variant type: single nucleotide variant.
Coding change: c.1317C>A on transcript NM_000548.5 (MANE Select); coding-DNA position 1317, C replaced by A.
Protein change: p.Asp439Glu; replaces aspartic acid 439 with glutamic acid.
Molecular consequence: missense variant.
Genome position (GRCh38, 1-based): chr16:2,062,556, C>A. VCF-style: chr16-2062556-C-A. GRCh37 (hg19) VCF-style: chr16-2112557-C-A.
Other names: c.1317C>A, p.Asp439Glu (NM_001077183.3, NM_001114382.3, NM_001363528.2 and 3 more transcripts); c.1206C>A, p.Asp402Glu (NM_001318827.2); c.1170C>A, p.Asp390Glu (NM_001318829.2); c.717C>A, p.Asp239Glu (NM_001318831.2); c.1350C>A, p.Asp450Glu (NM_001318832.2); short protein forms D439E, D450E, D390E, D239E, D402E.
Identifiers: ClinVar variation 467860 (VCV000467860.19), dbSNP rs777457815, ClinGen allele CA394322307.